The following is an entry in ClinVar:

NM_000642.3(AGL):c.622T>C (p.Trp208Arg)

Gene: AGL (amylo-alpha-1,6-glucosidase and 4-alpha-glucanotransferase; plus strand). Cytogenetic location: 1p21.2.
Variant type: single nucleotide variant.
Coding change: c.622T>C on transcript NM_000642.3 (MANE Select); coding-DNA position 622, T replaced by C.
Protein change: p.Trp208Arg; replaces tryptophan 208 with arginine.
Molecular consequence: missense variant.
Genome position (GRCh38, 1-based): chr1:99,864,547, T>C. VCF-style: chr1-99864547-T-C. GRCh37 (hg19) VCF-style: chr1-100330103-T-C.
Other names: p.Trp208Arg; c.622T>C, p.Trp208Arg (NM_000028.3, NM_000643.3, NM_000644.3 and 3 more transcripts); c.574T>C, p.Trp192Arg (NM_000646.3); c.244T>C, p.Trp82Arg (NM_001425332.1); short protein forms W208R, W192R, W82R.
Identifiers: ClinVar variation 456512 (VCV000456512.17), dbSNP rs202084554, ClinGen allele CA966217.

ClinVar aggregate classification (germline): Uncertain significance. Review status: criteria provided, multiple submitters, no conflicts (2 of 4 stars). 7 submissions from 7 submitters: Uncertain significance (6). 1 of the submissions does not count toward it. Last evaluated 2024-11-08.

Conditions:
Glycogen storage disease type III (GSD3). Also called: FORBES DISEASE; Cori disease. Identifiers: Orphanet 366, MedGen C0017922, MONDO:0009291, OMIM 232400.
Inborn genetic diseases. Identifiers: MedGen C0950123, MeSH D030342.

Allele frequency attached by ClinVar (database versions not stated): 1000 Genomes Project below 0.00001; ExAC 0.00007; gnomAD exomes 0.00007 and 0.00034; TOPMed 0.00019; gnomAD 0.00020 and 0.00021; ESP Exome Variant Server 0.00031.
gnomAD v4.1: 539 of 1,613,760 alleles (0.033%); highest among the groups gnomAD compares: Non-Finnish European, 0.042%; no homozygotes.

Submissions (7):

Mayo Clinic Laboratories, Mayo Clinic
Classification: Uncertain significance. Last evaluated: 2024-11-08. Review status: criteria provided, single submitter. Criteria: ACMG Guidelines, 2015. Collection method: clinical testing. Allele origin: germline. Observed: 1 variant allele.
Comment: PP3, PM2_supporting

Labcorp Genetics (formerly Invitae), Labcorp
Classification: Uncertain significance for Glycogen storage disease type III. Last evaluated: 2022-10-17. Review status: criteria provided, single submitter. Criteria: Invitae Variant Classification Sherloc (09022015). Collection method: clinical testing. Allele origin: germline.
Comment: This sequence change replaces tryptophan, which is neutral and slightly polar, with arginine, which is basic and polar, at codon 208 of the AGL protein (p.Trp208Arg). This variant is present in population databases (rs202084554, gnomAD 0.02%). This variant has not been reported in the literature in individuals affected with AGL-related conditions. ClinVar contains an entry for this variant (Variation ID: 456512). Advanced modeling of protein sequence and biophysical properties (such as structural, functional, and spatial information, amino acid conservation, physicochemical variation, residue mobility, and thermodynamic stability) performed at Invitae indicates that this missense variant is expected to disrupt AGL protein function. Algorithms developed to predict the effect of sequence changes on RNA splicing suggest that this variant may create or strengthen a splice site. In summary, the available evidence is currently insufficient to determine the role of this variant in disease. Therefore, it has been classified as a Variant of Uncertain Significance.

Fulgent Genetics
Classification: Uncertain significance for Glycogen storage disease type III. Last evaluated: 2021-08-04. Review status: criteria provided, single submitter. Criteria: ACMG Guidelines, 2015. Collection method: clinical testing. Allele origin: unknown.

Genome-Nilou Lab
Classification: Uncertain significance for Glycogen storage disease type III. Last evaluated: 2021-07-15. Review status: criteria provided, single submitter. Criteria: ACMG Guidelines, 2015. Collection method: clinical testing. Allele origin: germline. Affected: no.

Ambry Genetics
Classification: Uncertain significance for Inborn genetic diseases. Last evaluated: 2020-11-18. Review status: criteria provided, single submitter. Criteria: Ambry Variant Classification Scheme 2023. Collection method: clinical testing. Allele origin: germline.
Comment: The c.622T>C (p.W208R) alteration is located in exon 5 (coding exon 4) of the AGL gene. This alteration results from a T to C substitution at nucleotide position 622, causing the tryptophan (W) at amino acid position 208 to be replaced by an arginine (R). Based on data from the Genome Aggregation Database (gnomAD) database, the AGL c.622T>C alteration was observed in 0.01% (25/282652) of total alleles studied, with a frequency of 0.02% (23/129016) in the European (non-Finnish) subpopulation. This amino acid position is highly conserved in available vertebrate species. The p.W208R alteration is predicted to be deleterious by in silico analysis. Based on insufficient or conflicting evidence, the clinical significance of this alteration remains unclear.

Illumina Laboratory Services, Illumina
Classification: Uncertain significance for Glycogen storage disease type III. Last evaluated: 2018-01-12. Review status: criteria provided, single submitter. Criteria: ICSL Variant Classification Criteria 13 December 2019. Collection method: clinical testing. Allele origin: germline.

Natera, Inc.
Classification: Uncertain significance for Glycogen storage disease type III. Last evaluated: 2019-10-28. Review status: no assertion criteria provided. Collection method: clinical testing. Allele origin: germline. Not counted in ClinVar's aggregate classification.